The following is an entry in ClinVar:

ClinVar aggregate classification (germline): Pathogenic (1 of 4 stars; one submission).

Conditions:
Mucopolysaccharidosis type 1. Also called: IDUA deficiency; MPS I; Mucopolysaccharidosis Type I. Identifiers: Orphanet 579, MedGen C0023786, MONDO:0001586.

Submission:

Labcorp Genetics (formerly Invitae), Labcorp
Classification: Pathogenic for Mucopolysaccharidosis type 1. Last evaluated: 2023-07-26. Review status: criteria provided, single submitter. Criteria: Invitae Variant Classification Sherloc (09022015). Collection method: clinical testing. Allele origin: germline.
Comment: For these reasons, this variant has been classified as Pathogenic. ClinVar contains an entry for this variant (Variation ID: 2021652). This variant has not been reported in the literature in individuals affected with IDUA-related conditions. This variant is not present in population databases (gnomAD no frequency). This sequence change creates a premature translational stop signal (p.His33Glnfs*34) in the IDUA gene. It is expected to result in an absent or disrupted protein product. Loss-of-function variants in IDUA are known to be pathogenic (PMID: 11735025, 21480867).

Literature cited by the submitters: PubMed 11735025; PubMed 21480867.

NM_000203.5(IDUA):c.98_99insGGTGGACGGTGCA (p.His33fs)

Genes: IDUA (alpha-L-iduronidase; plus strand), SLC26A1 (solute carrier family 26 member 1; minus strand). Cytogenetic location: 4p16.3.
Variant type: Insertion.
Coding change: c.98_99insGGTGGACGGTGCA on transcript NM_000203.5 (MANE Select); coding-DNA positions 98 to 99, GGTGGACGGTGCA inserted.
Protein change: p.His33fs; shifts the reading frame from histidine 33.
Molecular consequence: frameshift variant. On other transcripts: non-coding transcript variant (1), intron variant (1).
Genome position: GRCh38 VCF-style: chr4-987176-T-TGGTGCAGGTGGAC. GRCh37 (hg19) VCF-style: chr4-980964-T-TGGTGCAGGTGGAC.
Other names: c.576+3951_576+3952insTGCACCGTCCACC (NM_134425.4); short protein forms H33fs.
Identifiers: ClinVar variation 2021652 (VCV002021652.4), dbSNP rs2534003798, ClinGen allele CA2580071760.